The following is an entry in ClinVar:

NM_001927.4(DES):c.640-2A>G

Gene: DES (desmin; plus strand). Cytogenetic location: 2q35.
Variant type: single nucleotide variant.
Coding change: c.640-2A>G on transcript NM_001927.4 (MANE Select); the canonical splice acceptor site of the intron before coding-DNA position 640, A replaced by G.
Molecular consequence: splice acceptor variant. On other transcripts: intron variant (1).
Genome position (GRCh38, 1-based): chr2:219,420,249, A>G. VCF-style: chr2-219420249-A-G. GRCh37 (hg19) VCF-style: chr2-220284971-A-G.
Other names: c.640-2A>G (NM_001382712.1, NM_001382711.1, NM_001382710.1 and 1 more transcripts); c.637-2A>G (NM_001382708.1); c.496-276A>G (NM_001382713.1).
Identifiers: ClinVar variation 66416 (VCV000066416.10), dbSNP rs267607492, ClinGen allele CA217081.

ClinVar aggregate classification (germline): Uncertain significance. Review status: criteria provided, single submitter (1 of 4 stars). 2 submissions from 2 submitters: Uncertain significance (1). 1 of the submissions does not count toward it. Last evaluated 2025-09-26.

Conditions:
Desmin-related myofibrillar myopathy (MFM1). Also called: Desminopathy; Desmin related myopathy (former name); Desmin storage myopathy (former name); MYOFIBRILLAR MYOPATHY WITH ARRHYTHMOGENIC RIGHT VENTRICULAR CARDIOMYOPATHY; DESMIN-RELATED MYOPATHY WITH ARRHYTHMOGENIC RIGHT VENTRICULAR CARDIOMYOPATHY; Myofibrillar myopathy 1. Identifiers: Orphanet 363543, Orphanet 98909, MedGen C1832370, MONDO:0011076, OMIM 601419.

Submissions (2):

Labcorp Genetics (formerly Invitae), Labcorp
Classification: Uncertain significance for Desmin-related myofibrillar myopathy. Last evaluated: 2025-09-26. Review status: criteria provided, single submitter. Criteria: Invitae Variant Classification Sherloc (09022015). Collection method: clinical testing. Allele origin: germline.
Comment: This sequence change affects an acceptor splice site in intron 2 of the DES gene. RNA analysis indicates that disruption of this splice site induces altered splicing and likely results in a shortened protein product. This variant is not present in population databases (gnomAD no frequency). Disruption of this splice site has been observed in individuals with clinical features of autosomal dominant DES-related conditions (PMID: 14724127, 17626518, 19716701). This variant is also known as IVS2-2A>G. ClinVar contains an entry for this variant (Variation ID: 66416). Studies have shown that disruption of this splice site results in skipping of exon 3, but is expected to preserve the integrity of the reading-frame (PMID: 11073539). In summary, the available evidence is currently insufficient to determine the role of this variant in disease. Therefore, it has been classified as a Variant of Uncertain Significance.

Epithelial Biology;  Institute of Medical Biology, Singapore
No classification provided. Review status: no classification provided. Collection method: not provided. Allele origin: not provided. Not counted in ClinVar's aggregate classification.

Literature cited by the submitters: PubMed 14724127 (cited by Labcorp Genetics (formerly Invitae), Labcorp); PubMed 17626518 (cited by Labcorp Genetics (formerly Invitae), Labcorp); PubMed 19716701 (cited by Labcorp Genetics (formerly Invitae), Labcorp); PubMed 11073539 (cited by Labcorp Genetics (formerly Invitae), Labcorp).